The following is an entry in ClinVar:

NM_000135.4(FANCA):c.2856G>C (p.Gln952His)

Gene: FANCA (FA complementation group A; minus strand). Cytogenetic location: 16q24.3.
Variant type: single nucleotide variant.
Coding change: c.2856G>C on transcript NM_000135.4 (MANE Select); coding-DNA position 2856, G replaced by C.
Protein change: p.Gln952His; replaces glutamine 952 with histidine.
Molecular consequence: missense variant.
Genome position (GRCh38, 1-based): chr16:89,758,702, C>G on the plus strand (G>C on the coding strand, the complement: FANCA is on the minus strand). VCF-style: chr16-89758702-C-G. GRCh37 (hg19) VCF-style: chr16-89825110-C-G.
Other names: c.2856G>C (LRG_495t1, NM_000135.3); c.2856G>C, p.Gln952His (NM_001286167.3); short protein forms Q952H.
Identifiers: ClinVar variation 456104 (VCV000456104.23), dbSNP rs200093209, ClinGen allele CA8251452.
Genomic context (GRCh38, chr16:89,758,702, plus strand): 5'-GCCCCCTGAAGCCGAGGACTCAGGGAGAAAGTGCTCATGGATCGCCCACTGGTGGAAGTC[C>G]TGCCTAGAACAGCAAACACTGCTATCAATTCTGAGAAATGCTTCGTGGCCAGCGGTTCCC-3'
Protein context (NP_000126.2, residues 942-962): EADALSDTER[Gln952His]DFHQWAIHEH

ClinVar aggregate classification (germline): Conflicting classifications of pathogenicity. Review status: criteria provided, conflicting classifications (1 of 4 stars). 6 submissions from 6 submitters: Uncertain significance (3); Benign (1); Likely benign (2). Last evaluated 2026-10-14.

Conditions:
Fanconi anemia complementation group A (FANCA). Also called: Fanconi anemia, group A; FANCA-Related Fanconi Anemia. Identifiers: Orphanet 84, MedGen C3469521, MONDO:0009215, OMIM 227650.
Fanconi anemia (FA). Also called: Fanconi's anemia. Identifiers: Orphanet 84, MedGen C0015625, MeSH D005199, MONDO:0019391.

Allele frequency attached by ClinVar (database versions not stated): gnomAD exomes 0.00010 and 0.00004; gnomAD 0.00008 and 0.00007; TOPMed 0.00008; ExAC 0.00004.
gnomAD v4.1: 75 of 1,613,472 alleles (0.0046%); highest among the groups gnomAD compares: Middle Eastern, 0.016%; no homozygotes.

Submissions (6):

St. Jude Molecular Pathology, St. Jude Children's Research Hospital
Classification: Uncertain significance for Fanconi anemia complementation group A. Last evaluated: 2026-10-14. Review status: criteria provided, single submitter. Criteria: St. Jude Assertion Criteria 2020. Collection method: clinical testing. Allele origin: germline.
Comment: The FANCA c.2856G>C (p.Gln952His) missense change has a maximum subpopulation frequency of 0.0050% in gnomAD v2.1.1. The in silico tool REVEL predicts a benign effect of this variant on protein function, but to our knowledge this prediction has not been confirmed by functional assays. To our knowledge, this variant has not been reported in individuals with Fanconi anemia. In summary, the evidence currently available is insufficient to determine the clinical significance of this variant. It has therefore been classified as of uncertain significance.

Labcorp Genetics (formerly Invitae), Labcorp
Classification: Benign for Fanconi anemia. Last evaluated: 2026-01-28. Review status: criteria provided, single submitter. Criteria: Invitae Variant Classification Sherloc (09022015). Collection method: clinical testing. Allele origin: germline.

Quest Diagnostics Nichols Institute San Juan Capistrano
Classification: Likely benign. Last evaluated: 2025-07-08. Review status: criteria provided, single submitter. Criteria: Quest Diagnostics criteria. Collection method: clinical testing. Allele origin: unknown.

Blueprint Genetics
Classification: Likely benign. Last evaluated: 2024-11-22. Review status: criteria provided, single submitter. Criteria: ACMG Guidelines, 2015. Collection method: clinical testing. Allele origin: germline.

Fulgent Genetics
Classification: Uncertain significance for Fanconi anemia complementation group A. Last evaluated: 2024-06-14. Review status: criteria provided, single submitter. Criteria: ACMG Guidelines, 2015. Collection method: clinical testing. Allele origin: germline.

Genetic Services Laboratory, University of Chicago
Classification: Uncertain significance. Last evaluated: 2019-12-05. Review status: criteria provided, single submitter. Criteria: ACMG Guidelines, 2015. Collection method: clinical testing. Allele origin: germline. Affected: no.

Literature cited by the submitters: PubMed 35884425 (cited by Quest Diagnostics Nichols Institute San Juan Capistrano).